The following is an entry in ClinVar:

ClinVar aggregate classification (germline): Uncertain significance (1 of 4 stars; one submission).

Conditions:
Inborn genetic diseases. Identifiers: MedGen C0950123, MeSH D030342.

gnomAD v4.1: 1 of 1,583,576 alleles (0.000063%); highest among the groups gnomAD compares: Non-Finnish European, 0.000086%; no homozygotes.

Submission:

Ambry Genetics
Classification: Uncertain significance for Inborn genetic diseases. Last evaluated: 2025-06-06. Review status: criteria provided, single submitter. Criteria: Ambry Variant Classification Scheme 2023. Collection method: clinical testing. Allele origin: germline.
Comment: The p.Q891K variant (also known as c.2671C>A), located in coding exon 14 of the FANCM gene, results from a C to A substitution at nucleotide position 2671. The glutamine at codon 891 is replaced by lysine, an amino acid with similar properties. This amino acid position is conserved. In addition, this alteration is predicted to be tolerated by in silico analysis. Based on the available evidence, the clinical significance of this variant remains unclear.

NM_020937.4(FANCM):c.2671C>A (p.Gln891Lys)

Gene: FANCM (FA complementation group M; plus strand). Cytogenetic location: 14q21.2.
Variant type: single nucleotide variant.
Coding change: c.2671C>A on transcript NM_020937.4 (MANE Select); coding-DNA position 2671, C replaced by A.
Protein change: p.Gln891Lys; replaces glutamine 891 with lysine.
Molecular consequence: missense variant.
Genome position (GRCh38, 1-based): chr14:45,175,425, C>A. VCF-style: chr14-45175425-C-A. GRCh37 (hg19) VCF-style: chr14-45644628-C-A.
Other names: c.2593C>A, p.Gln865Lys (NM_001308133.2); short protein forms Q865K, Q891K.
Identifiers: ClinVar variation 4022859 (VCV004022859.1).